The following is an entry in ClinVar:

ClinVar aggregate classification (germline): Pathogenic. Review status: criteria provided, multiple submitters, no conflicts (2 of 4 stars). 2 submissions from 2 submitters: Pathogenic (2). Last evaluated 2024-05-20.

Conditions:
Retinoblastoma (RB1). Also called: RETINOBLASTOMA, SOMATIC. Identifiers: Orphanet 790, MedGen C0035335, MeSH D012175, MONDO:0008380, OMIM 180200, HP:0009919. Disease mechanism: loss of function. Inheritance: Both sporadic and heritable forms are tested..

Submissions (2):

Genetic Diagnostic Laboratory, University of Pennsylvania School of Medicine
Classification: Pathogenic for Retinoblastoma. Last evaluated: 2024-05-20. Review status: criteria provided, single submitter. Criteria: ACMG Guidelines, 2015. Collection method: clinical testing. Allele origin: germline. Affected: yes. Observed: 1 variant allele.
Comment: Case and Pedigree Information: BILATERAL CASES:1, UNILATERAL CASES:0, TOTAL CASES:1, PEDIGREES:1. ACMG Codes Applied:PVS1, PM2

Labcorp Genetics (formerly Invitae), Labcorp
Classification: Pathogenic for Retinoblastoma. Last evaluated: 2022-05-15. Review status: criteria provided, single submitter. Criteria: Invitae Variant Classification Sherloc (09022015). Collection method: clinical testing. Allele origin: germline.
Comment: For these reasons, this variant has been classified as Pathogenic. Algorithms developed to predict the effect of sequence changes on RNA splicing suggest that this variant may disrupt the consensus splice site. This variant is also known as g.56852delG. This premature translational stop signal has been observed in individual(s) with retinoblastoma (PMID: 15884040). This variant is not present in population databases (gnomAD no frequency). This sequence change creates a premature translational stop signal (p.Glu204Lysfs*10) in the RB1 gene. It is expected to result in an absent or disrupted protein product. Loss-of-function variants in RB1 are known to be pathogenic (PMID: 17096365).

Literature cited by the submitters: PubMed 15884040 (cited by Labcorp Genetics (formerly Invitae), Labcorp); PubMed 17096365 (cited by Labcorp Genetics (formerly Invitae), Labcorp).

NM_000321.3(RB1):c.610del

Gene: RB1 (RB transcriptional corepressor 1; plus strand). Cytogenetic location: 13q14.2.
Variant type: Deletion.
Coding change: c.610del on transcript NM_000321.3 (MANE Select); coding-DNA position 610, one base deleted (G; older notation c.610delG).
Genome position (GRCh38, 1-based): chr13:48,360,019, G deleted; the last of 4 consecutive G bases (chr13:48,360,016-48,360,019); deleting any one gives the same sequence. VCF-style (leftmost placement, unchanged base first): chr13-48360015-AG-A. GRCh37 (hg19) VCF-style: chr13-48934151-AG-A.
Identifiers: ClinVar variation 2137492 (VCV002137492.6), dbSNP rs2542178368, ClinGen allele CA645578617.